The following is an entry in ClinVar:

NM_001081.4(CUBN):c.4426C>G (p.Gln1476Glu)

Gene: CUBN (cubilin; minus strand). Cytogenetic location: 10p13.
Variant type: single nucleotide variant.
Coding change: c.4426C>G on transcript NM_001081.4 (MANE Select); coding-DNA position 4426, C replaced by G.
Protein change: p.Gln1476Glu; replaces glutamine 1476 with glutamic acid.
Molecular consequence: missense variant.
Genome position (GRCh38, 1-based): chr10:16,984,204, G>C on the plus strand (C>G on the coding strand, the complement: CUBN is on the minus strand). VCF-style: chr10-16984204-G-C. GRCh37 (hg19) VCF-style: chr10-17026203-G-C.
Other names: short protein forms Q1476E.
Identifiers: ClinVar variation 1422921 (VCV001422921.6), dbSNP rs867893935, ClinGen allele CA376144501.
Genomic context (GRCh38, chr10:16,984,204, plus strand): 5'-CATTTATGGACAAGTCGGTCTTGAATCGAATTGCTAGCTCATTTCCAGTGCTGGAGACCT[G>C]CATGGGGTTCTCAGGTGATCTCTGGGTACACAGTTGGGCTATTCTGGGAGAGTGGAAATC-3'
Protein context (NP_001072.2, residues 1466-1486): CTQRSPENPM[Gln1476Glu]VSSTGNELAI

ClinVar aggregate classification (germline): Uncertain significance (1 of 4 stars; one submission).

Conditions:
Imerslund-Grasbeck syndrome. Also called: Megaloblastic anemia due to inborn errors of metabolism; PERNICIOUS ANEMIA, JUVENILE, DUE TO SELECTIVE INTESTINAL MALABSORPTION OF VITAMIN B12, WITH PROTEINURIA; Imerslund-Gräsbeck syndrome; ENTEROCYTE COBALAMIN MALABSORPTION; ENTEROCYTE INTRINSIC FACTOR RECEPTOR, DEFECT OF. Identifiers: Orphanet 35858, MedGen C4551825, MONDO:0009853.

Allele frequency attached by ClinVar (database versions not stated): gnomAD exomes 0.00001.
gnomAD v4.1: 3 of 1,614,128 alleles (0.00019%); highest among the groups gnomAD compares: Admixed American, 0.0017%; no homozygotes.

Submission:

Labcorp Genetics (formerly Invitae), Labcorp
Classification: Uncertain significance for Imerslund-Grasbeck syndrome. Last evaluated: 2021-09-03. Review status: criteria provided, single submitter. Criteria: Invitae Variant Classification Sherloc (09022015). Collection method: clinical testing. Allele origin: germline.
Comment: In summary, the available evidence is currently insufficient to determine the role of this variant in disease. Therefore, it has been classified as a Variant of Uncertain Significance. Algorithms developed to predict the effect of missense changes on protein structure and function (SIFT, PolyPhen-2, Align-GVGD) all suggest that this variant is likely to be tolerated. This variant has not been reported in the literature in individuals affected with CUBN-related conditions. This variant is not present in population databases (ExAC no frequency). This sequence change replaces glutamine with glutamic acid at codon 1476 of the CUBN protein (p.Gln1476Glu). The glutamine residue is moderately conserved and there is a small physicochemical difference between glutamine and glutamic acid.